The following is an entry in ClinVar:

ClinVar aggregate classification (germline): Likely pathogenic. Review status: reviewed by expert panel (3 of 4 stars). 2 submissions from 2 submitters: Likely pathogenic (1). 1 of the submissions does not count toward it. Last evaluated 2024-09-06.

Conditions:
Phenylketonuria (PKU). Also called: Phenylketonurias; Phenylketonuria (PKU); OLIGOPHRENIA PHENYLPYRUVICA; FOLLING DISEASE. Identifiers: Orphanet 716, MedGen C0031485, MONDO:0009861, OMIM 261600. Disease mechanism: loss of function.

Allele frequency attached by ClinVar (database versions not stated): gnomAD exomes below 0.00001.
gnomAD v4.1: 2 of 1,614,154 alleles (0.00012%); highest among the groups gnomAD compares: East Asian, 0.0045%; no homozygotes.

Submissions (2):

ClinGen PAH Variant Curation Expert Panel
Classification: Likely pathogenic for Phenylketonuria. Last evaluated: 2024-09-06. Review status: reviewed by expert panel. Criteria: ClinGen PAH ACMG Specifications v1. Collection method: curation. Allele origin: germline. Inheritance: Autosomal recessive inheritance.
Comment: The c.684A>C (p.Glu228Asp) variant in PAH is a missense variant in exon 6/13 that is predicted damaging by REVEL (REVEL score 0.688) (PP3_Supporting). It has been previously reported in one individual with PAH deficiency (960μmol/L Phe) with BH4 cofactor deficiency excluded (PMID: 28982351) (PP4_Moderate), who harbored it in trans with the known pathogenic/likely pathogenic variant p.Arg243Gln (ClinVar ID 591) (1pt; PM3_Moderate). A different missense variant at the same site, p.Glu228Lys, is classified as a VUS in ClinVar by the PAH VCEP (ID 120284); thus PM5 is not met. This variant is absent from gnomAD v2.1.1 (PM2_Supporting). In summary, this variant meets criteria to be classified as Likely Pathogenic based on the ACMG/AMP criteria applied, as specified by the ClinGen Phenylketonuria Variant Curation Expert Panel (Specifications Version 2.0): PM2_Supporting, PM3_Moderate, PP4_Moderate, PP3_Supporting.

Juno Genomics, Hangzhou Juno Genomics, Inc
Classification: Likely pathogenic for Phenylketonuria. Review status: criteria provided, single submitter. Criteria: ACMG Guidelines, 2015. Collection method: clinical testing. Allele origin: germline. Affected: yes. Not counted in ClinVar's aggregate classification.
Comment: Absent from controls (or at extremely low frequency if recessive) in Genome Aggregation Database, Exome Sequencing Project, 1000 Genomes Project, or Exome Aggregation Consortium.;Multiple lines of computational evidence support a deleterious effect on the gene or gene product (conservation, evolutionary, splicing impact, etc).;For recessive disorders, detected in trans with a pathogenic variant.;Patient's phenotype or family history is highly specific for a disease with a single genetic etiology.

NM_000277.3(PAH):c.684A>C (p.Glu228Asp)

Gene: PAH (phenylalanine hydroxylase; minus strand). Cytogenetic location: 12q23.2.
Variant type: single nucleotide variant.
Coding change: c.684A>C on transcript NM_000277.3 (MANE Select); coding-DNA position 684, A replaced by C.
Protein change: p.Glu228Asp; replaces glutamic acid 228 with aspartic acid.
Molecular consequence: missense variant.
Genome position (GRCh38, 1-based): chr12:102,855,158, T>G on the plus strand (A>C on the coding strand, the complement: PAH is on the minus strand). VCF-style: chr12-102855158-T-G. GRCh37 (hg19) VCF-style: chr12-103248936-T-G.
Other names: NM_001354304.2:c.684A>C; c.684A>C, p.Glu228Asp (NM_001354304.2); short protein forms E228D.
Identifiers: ClinVar variation 1065380 (VCV001065380.3), dbSNP rs2136649225, ClinGen allele CA386296575.